The following is an entry in ClinVar:

NM_001142800.2(EYS):c.8233+8T>G

Gene: EYS (EGF-like photoreceptor maintenance factor; minus strand). Cytogenetic location: 6q12.
Variant type: single nucleotide variant.
Coding change: c.8233+8T>G on transcript NM_001142800.2 (MANE Select); 8 bases into the intron after coding-DNA position 8233, T replaced by G.
Molecular consequence: intron variant.
Genome position (GRCh38, 1-based): chr6:63,726,511, A>C on the plus strand (T>G on the coding strand, the complement: EYS is on the minus strand). VCF-style: chr6-63726511-A-C. GRCh37 (hg19) VCF-style: chr6-64436404-A-C.
Other names: c.8296+8T>G (NM_001292009.2).
Identifiers: ClinVar variation 357688 (VCV000357688.15), dbSNP rs886061666, ClinGen allele CA10627396.

ClinVar aggregate classification (germline): Conflicting classifications of pathogenicity. Review status: criteria provided, conflicting classifications (1 of 4 stars). 5 submissions from 5 submitters: Uncertain significance (1); Likely benign (3). 1 of the submissions does not count toward it. Last evaluated 2025-01-18.

Conditions:
Retinitis pigmentosa (RP). Identifiers: Orphanet 791, MedGen C0035334, MeSH D012174, MONDO:0019200, OMIM 268000. Inheritance: Autosomal dominant, autosomal recessive and X linked inheritance.
EYS-related disorder. Also called: EYS-related condition.
Retinal dystrophy. Also called: Inherited retinal dystrophy. Identifiers: Orphanet 71862, MedGen C0854723, MeSH D058499, MONDO:0019118, HP:0000556.

Allele frequency attached by ClinVar (database versions not stated): gnomAD 0.00001; gnomAD exomes 0.00001; TOPMed 0.00002.
gnomAD v4.1: 11 of 1,546,712 alleles (0.00071%); highest among the groups gnomAD compares: Non-Finnish European, 0.00087%; no homozygotes.

Submissions (5):

PreventionGenetics, part of Exact Sciences
Classification: Likely benign for EYS-related condition. Last evaluated: 2025-01-18. Review status: criteria provided, single submitter. Criteria: ACMG Guidelines, 2015. Collection method: clinical testing. Allele origin: germline.
Comment: This variant is classified as likely benign based on ACMG/AMP sequence variant interpretation guidelines (Richards et al. 2015 PMID: 25741868, with internal and published modifications).

Labcorp Genetics (formerly Invitae), Labcorp
Classification: Likely benign. Last evaluated: 2023-09-19. Review status: criteria provided, single submitter. Criteria: Invitae Variant Classification Sherloc (09022015). Collection method: clinical testing. Allele origin: germline.

Blueprint Genetics
Classification: Likely benign. Last evaluated: 2020-09-16. Review status: criteria provided, single submitter. Criteria: ACMG Guidelines, 2015. Collection method: clinical testing. Allele origin: germline.

Illumina Laboratory Services, Illumina
Classification: Uncertain significance for Retinitis pigmentosa. Last evaluated: 2018-01-12. Review status: criteria provided, single submitter. Criteria: ICSL Variant Classification Criteria 13 December 2019. Collection method: clinical testing. Allele origin: germline.

Institute of Human Genetics, Univ. Regensburg, Univ. Regensburg
Classification: Uncertain significance for Retinal dystrophy. Last evaluated: 2022-01-01. Review status: no assertion criteria provided. Criteria: ACMG Guidelines, 2015. Collection method: clinical testing. Allele origin: germline. Affected: yes. Not counted in ClinVar's aggregate classification.